The following is an entry in ClinVar:

NM_198282.4(STING1):c.751G>A (p.Gly251Arg)

Gene: STING1 (stimulator of interferon response cGAMP interactor 1; minus strand). Cytogenetic location: 5q31.2.
Variant type: single nucleotide variant.
Coding change: c.751G>A on transcript NM_198282.4 (MANE Select); coding-DNA position 751, G replaced by A.
Protein change: p.Gly251Arg; replaces glycine 251 with arginine.
Molecular consequence: missense variant.
Genome position (GRCh38, 1-based): chr5:139,478,278, C>T on the plus strand (G>A on the coding strand, the complement: STING1 is on the minus strand). VCF-style: chr5-139478278-C-T. GRCh37 (hg19) VCF-style: chr5-138857863-C-T.
Other names: c.751G>A (NM_198282.2); c.751G>A, p.Gly251Arg (NM_001301738.2); c.394G>A, p.Gly132Arg (NM_001367258.1); short protein forms G132R, G251R.
Identifiers: ClinVar variation 1021491 (VCV001021491.8), dbSNP rs1409697347, ClinGen allele CA361479835.

ClinVar aggregate classification (germline): Uncertain significance. Review status: criteria provided, multiple submitters, no conflicts (2 of 4 stars). 2 submissions from 2 submitters: Uncertain significance (2). Last evaluated 2025-09-19.

Conditions:
Inborn genetic diseases. Identifiers: MedGen C0950123, MeSH D030342.
STING-associated vasculopathy with onset in infancy. Also called: Sting-associated vasculopathy, infantile-onset. Identifiers: Orphanet 425120, MedGen C4014722, MONDO:0014405, OMIM 615934.

Allele frequency attached by ClinVar (database versions not stated): gnomAD exomes 0.00001; TOPMed 0.00003; gnomAD 0.00001.
gnomAD v4.1: 11 of 1,612,618 alleles (0.00068%); highest among the groups gnomAD compares: African/African-American, 0.0027%; no homozygotes.

Submissions (2):

Labcorp Genetics (formerly Invitae), Labcorp
Classification: Uncertain significance for STING-associated vasculopathy with onset in infancy. Last evaluated: 2025-09-19. Review status: criteria provided, single submitter. Criteria: Invitae Variant Classification Sherloc (09022015). Collection method: clinical testing. Allele origin: germline.
Comment: This sequence change replaces glycine, which is neutral and non-polar, with arginine, which is basic and polar, at codon 251 of the TMEM173 protein (p.Gly251Arg). This variant is present in population databases (no rsID available, gnomAD 0.01%). This variant has not been reported in the literature in individuals affected with TMEM173-related conditions. ClinVar contains an entry for this variant (Variation ID: 1021491). Invitae Evidence Modeling of protein sequence and biophysical properties (such as structural, functional, and spatial information, amino acid conservation, physicochemical variation, residue mobility, and thermodynamic stability) indicates that this missense variant is expected to disrupt TMEM173 protein function with a positive predictive value of 80%. In summary, the available evidence is currently insufficient to determine the role of this variant in disease. Therefore, it has been classified as a Variant of Uncertain Significance.

Ambry Genetics
Classification: Uncertain significance for Inborn genetic diseases. Last evaluated: 2025-01-23. Review status: criteria provided, single submitter. Criteria: Ambry Variant Classification Scheme 2023. Collection method: clinical testing. Allele origin: germline.